The following is an entry in ClinVar:

NM_001846.4(COL4A2):c.2781G>A (p.Met927Ile)

Gene: COL4A2 (collagen type IV alpha 2 chain; plus strand). Cytogenetic location: 13q34.
Variant type: single nucleotide variant.
Coding change: c.2781G>A on transcript NM_001846.4 (MANE Select); coding-DNA position 2781, G replaced by A.
Protein change: p.Met927Ile; replaces methionine 927 with isoleucine.
Molecular consequence: missense variant.
Genome position (GRCh38, 1-based): chr13:110,482,538, G>A. VCF-style: chr13-110482538-G-A. GRCh37 (hg19) VCF-style: chr13-111134885-G-A.
Other names: short protein forms M927I.
Identifiers: ClinVar variation 1472696 (VCV001472696.6), dbSNP rs765543373, ClinGen allele CA7050005.

ClinVar aggregate classification (germline): Uncertain significance (1 of 4 stars; one submission).

Allele frequency attached by ClinVar (database versions not stated): TOPMed below 0.00001; gnomAD exomes 0.00001; ExAC 0.00002.
gnomAD v4.1: 3 of 1,614,186 alleles (0.00019%); highest among the groups gnomAD compares: Admixed American, 0.005%; no homozygotes.

Submission:

Labcorp Genetics (formerly Invitae), Labcorp
Classification: Uncertain significance. Last evaluated: 2022-01-26. Review status: criteria provided, single submitter. Criteria: Invitae Variant Classification Sherloc (09022015). Collection method: clinical testing. Allele origin: germline.
Comment: This variant is present in population databases (rs765543373, gnomAD 0.009%). In summary, the available evidence is currently insufficient to determine the role of this variant in disease. Therefore, it has been classified as a Variant of Uncertain Significance. Advanced modeling of protein sequence and biophysical properties (such as structural, functional, and spatial information, amino acid conservation, physicochemical variation, residue mobility, and thermodynamic stability) performed at Invitae indicates that this missense variant is not expected to disrupt COL4A2 protein function. This variant has not been reported in the literature in individuals affected with COL4A2-related conditions. This sequence change replaces methionine, which is neutral and non-polar, with isoleucine, which is neutral and non-polar, at codon 927 of the COL4A2 protein (p.Met927Ile).